The following is an entry in ClinVar:

NM_201384.3(PLEC):c.6243C>T (p.Gly2081=)

Gene: PLEC (plectin; minus strand). Cytogenetic location: 8q24.3.
Variant type: single nucleotide variant.
Coding change: c.6243C>T on transcript NM_201384.3 (MANE Select); coding-DNA position 6243, C replaced by T.
Protein change: p.Gly2081=; no amino-acid change (glycine 2081 retained).
Molecular consequence: synonymous variant.
Genome position (GRCh38, 1-based): chr8:143,923,686, G>A on the plus strand (C>T on the coding strand, the complement: PLEC is on the minus strand). VCF-style: chr8-143923686-G-A. GRCh37 (hg19) VCF-style: chr8-144997854-G-A.
Other names: c.6324C>T, p.Gly2108= (NM_000445.5); c.6201C>T, p.Gly2067= (NM_201378.4); c.6177C>T, p.Gly2059= (NM_201379.3); c.6654C>T, p.Gly2218= (NM_201380.4); c.6147C>T, p.Gly2049= (NM_201381.3); c.6243C>T, p.Gly2081= (NM_201382.4); c.6255C>T, p.Gly2085= (NM_201383.3).
Identifiers: ClinVar variation 497064 (VCV000497064.13), dbSNP rs782746363, ClinGen allele CA4926070.

ClinVar aggregate classification (germline): Conflicting classifications of pathogenicity. Review status: criteria provided, conflicting classifications (1 of 4 stars). 4 submissions from 4 submitters: Uncertain significance (2); Likely benign (2). Last evaluated 2026-06-10.

Conditions:
Autosomal recessive limb-girdle muscular dystrophy type 2Q (LGMDR17). Also called: MUSCULAR DYSTROPHY, LIMB-GIRDLE, AUTOSOMAL RECESSIVE 17. Identifiers: Orphanet 254361, MedGen C3150989, MONDO:0013390, OMIM 613723.
Epidermolysis bullosa simplex 5B, with muscular dystrophy (EBS5B). Also called: EPIDERMOLYSIS BULLOSA SIMPLEX AND LIMB-GIRDLE MUSCULAR DYSTROPHY; Epidermolysis bullosa simplex with muscular dystrophy. Identifiers: Orphanet 257, MedGen C2931072, MONDO:0009181, OMIM 226670.
Epidermolysis bullosa simplex, Ogna type (EBS5A). Also called: Pidermolysis bullosa simplex 5A, Ogna type; EPIDERMOLYSIS BULLOSA SIMPLEX 5A, OGNA TYPE. Identifiers: Orphanet 79401, MedGen C0432317, MONDO:0007555, OMIM 131950.
Epidermolysis bullosa simplex with nail dystrophy (EBS5D). Identifiers: MedGen C4225309, MONDO:0014661, OMIM 616487.
Epidermolysis bullosa simplex 5C, with pyloric atresia (EBS5C). Also called: PLEC-Related Epidermolysis Bullosa with Pyloric Atresia; Epidermolysis bullosa simplex with pyloric atresia; PLEC1-Related Epidermolysis Bullosa with Pyloric Atresia. Identifiers: Orphanet 158684, MedGen C2677349, MONDO:0012807, OMIM 612138.
PLEC-related disorder. Also called: PLEC-related disorders; PLEC-related condition.

Allele frequency attached by ClinVar (database versions not stated): gnomAD 0.00014 and 0.00015; 1000 Genomes Project 30x 0.00016; TOPMed 0.00016.
gnomAD v4.1: 218 of 1,546,622 alleles (0.014%); highest among the groups gnomAD compares: Middle Eastern, 0.035%; 1 homozygote.

Submissions (4):

PreventionGenetics, part of Exact Sciences
Classification: Likely benign for PLEC-related condition. Last evaluated: 2026-06-10. Review status: criteria provided, single submitter. Criteria: ACMG Guidelines, 2015. Collection method: clinical testing. Allele origin: germline.
Comment: This variant is classified as likely benign based on ACMG/AMP sequence variant interpretation guidelines (Richards et al. 2015 PMID: 25741868, with internal and published modifications).

Labcorp Genetics (formerly Invitae), Labcorp
Classification: Likely benign for Autosomal recessive limb-girdle muscular dystrophy type 2Q; Epidermolysis bullosa simplex, Ogna type; Epidermolysis bullosa simplex with nail dystrophy; Epidermolysis bullosa simplex 5C, with pyloric atresia; Epidermolysis bullosa simplex 5B, with muscular dystrophy. Last evaluated: 2025-12-08. Review status: criteria provided, single submitter. Criteria: Invitae Variant Classification Sherloc (09022015). Collection method: clinical testing. Allele origin: germline.

Athena Diagnostics
Classification: Uncertain significance. Last evaluated: 2019-12-31. Review status: criteria provided, single submitter. Criteria: Athena Diagnostics Criteria. Collection method: clinical testing. Allele origin: unknown.

Eurofins Ntd Llc (ga)
Classification: Uncertain significance. Last evaluated: 2017-02-28. Review status: criteria provided, single submitter. Criteria: EGL Classification Definitions 2015. Collection method: clinical testing. Allele origin: germline. Observed: 3 variant alleles, 3 heterozygotes.